The following is an entry in ClinVar:

NM_000092.5(COL4A4):c.1630C>T (p.His544Tyr)

Gene: COL4A4 (collagen type IV alpha 4 chain; minus strand). Cytogenetic location: 2q36.3.
Variant type: single nucleotide variant.
Coding change: c.1630C>T on transcript NM_000092.5 (MANE Select); coding-DNA position 1630, C replaced by T.
Protein change: p.His544Tyr; replaces histidine 544 with tyrosine.
Molecular consequence: missense variant.
Genome position (GRCh38, 1-based): chr2:227,082,181, G>A on the plus strand (C>T on the coding strand, the complement: COL4A4 is on the minus strand). VCF-style: chr2-227082181-G-A. GRCh37 (hg19) VCF-style: chr2-227946897-G-A.
Other names: short protein forms H544Y.
Identifiers: ClinVar variation 666817 (VCV000666817.15), dbSNP rs745815071, ClinGen allele CA2145107.

ClinVar aggregate classification (germline): Conflicting classifications of pathogenicity. Review status: criteria provided, conflicting classifications (1 of 4 stars). 4 submissions from 4 submitters: Uncertain significance (2); Likely benign (1). 1 of the submissions does not count toward it. Last evaluated 2024-03-03.

Conditions:
Alport syndrome. Also called: Hemorrhagic familial nephritis; Hemorrhagic hereditary nephritis; Congenital hereditary hematuria. Identifiers: Orphanet 63, MedGen C1567741, MONDO:0018965.

Allele frequency attached by ClinVar (database versions not stated): TOPMed below 0.00001; gnomAD 0.00001; gnomAD exomes 0.00002 and 0.00005; ExAC 0.00005.
gnomAD v4.1: 35 of 1,613,780 alleles (0.0022%); highest among the groups gnomAD compares: South Asian, 0.037%; 2 homozygotes.

Submissions (4):

Labcorp Genetics (formerly Invitae), Labcorp
Classification: Likely benign. Last evaluated: 2024-03-03. Review status: criteria provided, single submitter. Criteria: Invitae Variant Classification Sherloc (09022015). Collection method: clinical testing. Allele origin: germline.

Laboratory for Molecular Medicine, Mass General Brigham Personalized Medicine
Classification: Uncertain significance. Last evaluated: 2018-02-27. Review status: criteria provided, single submitter. Criteria: LMM Criteria. Collection method: clinical testing. Allele origin: germline. Observed: 2 variant alleles.
Comment: The p.His544Tyr variant in COL4A4 has not been previously reported in individual s with hearing loss or Alport syndrome but was present in 0.04% (12/30780) of So uth Asian chromosomes by the Genome Aggregation Database (gnomAD.; dbSNP rs745815071). Although this variant has been seen in t he general population, its frequency is not high enough to rule out a pathogenic role. Computational prediction tools and conservation analyses suggest that the missense variant may not impact the protein, while splice prediction tools sugg est a possible creation of a cryptic 5' splice site due to the nucleotide change ; however, it should be noted these computational tools are not predictive enoug h to determine. In summary, the clinical significance of the p.His544Tyr variant is uncertain. ACMG/AMP Criteria applied: PP3.

Illumina Laboratory Services, Illumina
Classification: Uncertain significance for Alport syndrome. Last evaluated: 2018-01-12. Review status: criteria provided, single submitter. Criteria: ICSL Variant Classification Criteria 13 December 2019. Collection method: clinical testing. Allele origin: germline.

Natera, Inc.
Classification: Uncertain significance for Alport syndrome. Last evaluated: 2020-10-29. Review status: no assertion criteria provided. Collection method: clinical testing. Allele origin: germline. Not counted in ClinVar's aggregate classification.